The following is an entry in ClinVar:

ClinVar aggregate classification (germline): Likely benign. Review status: criteria provided, single submitter (1 of 4 stars). 2 submissions from 2 submitters: Likely benign (1). 1 of the submissions does not count toward it. Last evaluated 2023-07-21.

Conditions:
STAMBP-related disorder. Also called: STAMBP-related condition.

Allele frequency attached by ClinVar (database versions not stated): gnomAD exomes 0.00001.
gnomAD v4.1: 17 of 1,614,230 alleles (0.0011%); highest among the groups gnomAD compares: Non-Finnish European, 0.0014%; no homozygotes.

Submissions (2):

Labcorp Genetics (formerly Invitae), Labcorp
Classification: Likely benign. Last evaluated: 2023-07-21. Review status: criteria provided, single submitter. Criteria: Invitae Variant Classification Sherloc (09022015). Collection method: clinical testing. Allele origin: germline.

PreventionGenetics, part of Exact Sciences
Classification: Likely benign for STAMBP-related condition. Last evaluated: 2023-06-12. Review status: no assertion criteria provided. Collection method: clinical testing. Allele origin: germline. Not counted in ClinVar's aggregate classification.
Comment: This variant is classified as likely benign based on ACMG/AMP sequence variant interpretation guidelines (Richards et al. 2015 PMID: 25741868, with internal and published modifications).

NM_213622.4(STAMBP):c.597C>T (p.Asp199=)

Gene: STAMBP (STAM binding protein; plus strand). Cytogenetic location: 2p13.1.
Variant type: single nucleotide variant.
Coding change: c.597C>T on transcript NM_213622.4 (MANE Select); coding-DNA position 597, C replaced by T.
Protein change: p.Asp199=; no amino-acid change (aspartic acid 199 retained).
Molecular consequence: synonymous variant. On other transcripts: non-coding transcript variant (4).
Genome position (GRCh38, 1-based): chr2:73,847,608, C>T. VCF-style: chr2-73847608-C-T. GRCh37 (hg19) VCF-style: chr2-74074735-C-T.
Other names: c.597C>T, p.Asp199= (NM_001353967.2, NM_001353968.2, NM_001353969.2 and 3 more transcripts); c.192C>T, p.Asp64= (NM_001353971.2, NM_001353972.2, NM_001353973.2 and 3 more transcripts); c.597C>T (NM_006463.4).
Identifiers: ClinVar variation 2173425 (VCV002173425.6), dbSNP rs1676291143, ClinGen allele CA427026674.